The following is an entry in ClinVar:

NM_000492.4(CFTR):c.1699G>A (p.Asp567Asn)

Gene: CFTR (CF transmembrane conductance regulator; plus strand). Cytogenetic location: 7q31.2.
Variant type: single nucleotide variant.
Coding change: c.1699G>A on transcript NM_000492.4 (MANE Select); coding-DNA position 1699, G replaced by A.
Protein change: p.Asp567Asn; replaces aspartic acid 567 with asparagine.
Molecular consequence: missense variant.
Genome position (GRCh38, 1-based): chr7:117,590,372, G>A. VCF-style: chr7-117590372-G-A. GRCh37 (hg19) VCF-style: chr7-117230426-G-A.
Other names: short protein forms D567N.
Identifiers: ClinVar variation 1778293 (VCV001778293.2), dbSNP rs1562907184, ClinGen allele CA368977082.

ClinVar aggregate classification (germline): Uncertain significance (1 of 4 stars; one submission).

Conditions:
Cystic fibrosis (CF). Also called: MUCOVISCIDOSIS. Identifiers: Orphanet 586, MedGen C0010674, MONDO:0009061, OMIM 219700. Disease mechanism: loss of function.

Allele frequency attached by ClinVar (database versions not stated): TOPMed below 0.00001.
gnomAD v4.1: 1 of 1,603,152 alleles (0.000062%); highest among the groups gnomAD compares: Admixed American, 0.0017%; no homozygotes.

Submission:

Ambry Genetics
Classification: Uncertain significance for Cystic fibrosis. Last evaluated: 2022-05-09. Review status: criteria provided, single submitter. Criteria: Ambry Variant Classification Scheme 2023. Collection method: clinical testing. Allele origin: germline.
Comment: The p.D567N variant (also known as c.1699G>A), located in coding exon 13 of the CFTR gene, results from a G to A substitution at nucleotide position 1699. The aspartic acid at codon 567 is replaced by asparagine, an amino acid with highly similar properties. This amino acid position is highly conserved in available vertebrate species. In addition, the in silico prediction for this alteration is inconclusive. Since supporting evidence is limited at this time, the clinical significance of this alteration remains unclear.